The following is an entry in ClinVar:

NM_001354930.2(RIPK1):c.1632C>G (p.Tyr544Ter)

Gene: RIPK1 (receptor interacting serine/threonine kinase 1; plus strand). Cytogenetic location: 6p25.2.
Variant type: single nucleotide variant.
Coding change: c.1632C>G on transcript NM_001354930.2 (MANE Select); coding-DNA position 1632, C replaced by G.
Protein change: p.Tyr544Ter; replaces tyrosine 544 with a stop codon.
Molecular consequence: nonsense.
Genome position (GRCh38, 1-based): chr6:3,110,858, C>G. VCF-style: chr6-3110858-C-G. GRCh37 (hg19) VCF-style: chr6-3111092-C-G.
Other names: c.1143C>G, p.Tyr381Ter (NM_001317061.3, NM_001354932.2, NM_001354933.2 and 1 more transcripts); c.1494C>G, p.Tyr498Ter (NM_001354931.2); c.1632C>G, p.Tyr544Ter (NM_003804.6); short protein forms Y381*, Y544*, Y498*.
Identifiers: ClinVar variation 1455831 (VCV001455831.6), dbSNP rs2113716448, ClinGen allele CA362576337.

ClinVar aggregate classification (germline): Pathogenic (1 of 4 stars; one submission).

Submission:

Labcorp Genetics (formerly Invitae), Labcorp
Classification: Pathogenic. Last evaluated: 2024-05-19. Review status: criteria provided, single submitter. Criteria: Invitae Variant Classification Sherloc (09022015). Collection method: clinical testing. Allele origin: germline.
Comment: This sequence change creates a premature translational stop signal (p.Tyr544*) in the RIPK1 gene. It is expected to result in an absent or disrupted protein product. Loss-of-function variants in RIPK1 are known to be pathogenic (PMID: 31213653). This variant is not present in population databases (gnomAD no frequency). This variant has not been reported in the literature in individuals affected with RIPK1-related conditions. ClinVar contains an entry for this variant (Variation ID: 1455831). For these reasons, this variant has been classified as Pathogenic.

Literature cited by the submitters: PubMed 31213653.